The following is an entry in ClinVar:

ClinVar aggregate classification (germline): Uncertain significance. Review status: criteria provided, multiple submitters, no conflicts (2 of 4 stars). 2 submissions from 2 submitters: Uncertain significance (2). Last evaluated 2025-08-30.

Conditions:
Malignant hyperthermia, susceptibility to, 1 (MHS1). Also called: Anesthesia related hyperthermia; Malignant hyperpyrexia; Fulminating hyperpyrexia; Pharmacogenic myopathy; RYR1-Related Malignant Hyperthermia Susceptibility; Malignant hyperthermia suceptibility 1. Identifiers: Orphanet 423, MedGen C2930980, MONDO:0007783, OMIM 145600.
King Denborough syndrome (KDS). Identifiers: MedGen C1840365, MONDO:0020485, OMIM 619542.
Congenital multicore myopathy with external ophthalmoplegia (CMYO1B). Also called: MULTICORE MYOPATHY; Minicore myopathy with external ophthalmoplegia; MULTIMINICORE DISEASE WITH EXTERNAL OPHTHALMOPLEGIA; Congenital myopathy 1B, autosomal recessive; Minicore myopathy. Identifiers: Orphanet 598, Orphanet 98905, MedGen C1850674, MONDO:0009712, OMIM 255320, HP:0003789.
Central core myopathy (CMYO1A). Also called: CONGENITAL MYOPATHY 1A, AUTOSOMAL DOMINANT, WITH SUSCEPTIBILITY TO MALIGNANT HYPERTHERMIA; Central core disease; Myopathy, central fibrillar. Identifiers: Orphanet 597, MedGen C5830701, MONDO:0007294, OMIM 117000.

gnomAD v4.1: 4 of 1,610,256 alleles (0.00025%); highest among the groups gnomAD compares: Non-Finnish European, 0.00034%; no homozygotes.

Submissions (2):

Color Diagnostics, LLC DBA Color Health
Classification: Uncertain significance for Malignant hyperthermia, susceptibility to, 1. Last evaluated: 2025-08-30. Review status: criteria provided, single submitter. Criteria: ACMG Guidelines, 2015. Collection method: clinical testing. Allele origin: germline.
Comment: This missense variant replaces threonine with alanine at codon 433 of the RYR1 protein. Computational prediction suggests that this variant may not impact protein structure and function. To our knowledge, functional studies have not been reported for this variant. This variant has not been reported in individuals affected with RYR1-related disorders in the literature. This variant has not been identified in the general population by the Genome Aggregation Database (gnomAD). The available evidence is insufficient to determine the role of this variant in disease conclusively. Therefore, this variant is classified as a Variant of Uncertain Significance.

Fulgent Genetics
Classification: Uncertain significance for Central core myopathy; Malignant hyperthermia, susceptibility to, 1; Congenital multicore myopathy with external ophthalmoplegia; King Denborough syndrome. Last evaluated: 2024-05-21. Review status: criteria provided, single submitter. Criteria: ACMG Guidelines, 2015. Collection method: clinical testing. Allele origin: germline.

NM_000540.3(RYR1):c.1297A>G (p.Thr433Ala)

Gene: RYR1 (ryanodine receptor 1; plus strand). Cytogenetic location: 19q13.2.
Variant type: single nucleotide variant.
Coding change: c.1297A>G on transcript NM_000540.3 (MANE Select); coding-DNA position 1297, A replaced by G.
Protein change: p.Thr433Ala; replaces threonine 433 with alanine.
Molecular consequence: missense variant.
Genome position (GRCh38, 1-based): chr19:38,452,871, A>G. VCF-style: chr19-38452871-A-G. GRCh37 (hg19) VCF-style: chr19-38943511-A-G.
Other names: c.1297A>G, p.Thr433Ala (NM_001042723.2); short protein forms T433A.
Identifiers: ClinVar variation 3583768 (VCV003583768.2).
Genomic context (GRCh38, chr19:38,452,871, plus strand): 5'-CCCTGTAGGAGCCTGGACAGCTTCAGCGGGAAGCCACGGGGCTCGGGGCCACCCGCTGGC[A>G]CGGCGCTGCCCATCGAGGGCGTTATCCTGAGCCTGCAGGACCTCATCATCTACTTCGAGC-3'
Protein context (NP_000531.2, residues 423-443): KPRGSGPPAG[Thr433Ala]ALPIEGVILS